The following is an entry in ClinVar:

NM_000245.4(MET):c.*1233G>A

Gene: MET (MET proto-oncogene, receptor tyrosine kinase; plus strand). Cytogenetic location: 7q31.2.
Variant type: single nucleotide variant.
Coding change: c.*1233G>A on transcript NM_000245.4 (MANE Select); 1233 bases downstream of the stop codon, G replaced by A.
Molecular consequence: 3 prime UTR variant.
Genome position (GRCh38, 1-based): chr7:116,797,357, G>A. VCF-style: chr7-116797357-G-A. GRCh37 (hg19) VCF-style: chr7-116437411-G-A.
Other names: c.*1233G>A (NM_001127500.3, NM_001324402.2).
Identifiers: ClinVar variation 908120 (VCV000908120.4), dbSNP rs560568639, ClinGen allele CA165451167.

ClinVar aggregate classification (germline): Benign (1 of 4 stars; one submission).

Conditions:
Papillary renal cell carcinoma type 1 (RCCP1). Also called: RENAL CELL CARCINOMA, PAPILLARY, 1, SOMATIC; Renal adenocarcinoma; Renal cell carcinoma 1; Renal cell carcinoma, somatic. Identifiers: Orphanet 47044, MedGen C1336839, OMIM 605074, HP:0011797.

Allele frequency attached by ClinVar (database versions not stated): gnomAD 0.00001; gnomAD exomes 0.00018; 1000 Genomes Project 30x 0.00031; 1000 Genomes Project 0.00040.
gnomAD v4.1: 15 of 227,406 alleles (0.0066%); highest among the groups gnomAD compares: East Asian, 0.094%; no homozygotes.

Submission:

Illumina Laboratory Services, Illumina
Classification: Benign for Papillary renal cell carcinoma type 1. Last evaluated: 2018-01-13. Review status: criteria provided, single submitter. Criteria: ICSL Variant Classification Criteria 13 December 2019. Collection method: clinical testing. Allele origin: germline.
Comment: This variant was observed in the ICSL laboratory as part of a predisposition screen in an ostensibly healthy population. It had not been previously curated by ICSL or reported in the Human Gene Mutation Database (HGMD: prior to June 1st, 2018), and was therefore a candidate for classification through an automated scoring system. Utilizing variant allele frequency, disease prevalence and penetrance estimates, and inheritance mode, an automated score was calculated to assess if this variant is too frequent to cause the disease. Based on the score and internal cut-off values, a variant classified as benign is not then subjected to further curation. The score for this variant resulted in a classification of benign for this disease.